The following is an entry in ClinVar:

NM_000540.3(RYR1):c.707A>C (p.Asp236Ala)

Gene: RYR1 (ryanodine receptor 1; plus strand). Cytogenetic location: 19q13.2.
Variant type: single nucleotide variant.
Coding change: c.707A>C on transcript NM_000540.3 (MANE Select); coding-DNA position 707, A replaced by C.
Protein change: p.Asp236Ala; replaces aspartic acid 236 with alanine.
Molecular consequence: missense variant.
Genome position (GRCh38, 1-based): chr19:38,446,547, A>C. VCF-style: chr19-38446547-A-C. GRCh37 (hg19) VCF-style: chr19-38937187-A-C.
Other names: c.707A>C, p.Asp236Ala (NM_001042723.2); short protein forms D236A.
Identifiers: ClinVar variation 3072318 (VCV003072318.2), dbSNP rs753072041, ClinGen allele CA069111.

ClinVar aggregate classification (germline): Uncertain significance (1 of 4 stars; one submission).

Conditions:
Malignant hyperthermia, susceptibility to, 1 (MHS1). Also called: Anesthesia related hyperthermia; Malignant hyperpyrexia; Fulminating hyperpyrexia; Pharmacogenic myopathy; RYR1-Related Malignant Hyperthermia Susceptibility; Malignant hyperthermia suceptibility 1. Identifiers: Orphanet 423, MedGen C2930980, MONDO:0007783, OMIM 145600.

Allele frequency attached by ClinVar (database versions not stated): ExAC 0.00001.
gnomAD v4.1: 2 of 1,614,022 alleles (0.00012%); highest among the groups gnomAD compares: Non-Finnish European, 0.00017%; no homozygotes.

Submission:

All of Us Research Program, National Institutes of Health
Classification: Uncertain significance for Malignant hyperthermia, susceptibility to, 1. Last evaluated: 2024-08-06. Review status: criteria provided, single submitter. Criteria: ACMG Guidelines, 2015. Collection method: clinical testing. Allele origin: germline. Inheritance: Autosomal dominant inheritance. Observed: 3 variant alleles, 3 heterozygotes.
Comment: This study involves interpretation of variants in research participants for the purpose of population health screening. Participant phenotype was not available at the time of variant classification. Additional details can be found in publication PMID: 35346344, PMCID: PMC8962531